The following is an entry in ClinVar:

ClinVar aggregate classification (germline): Uncertain significance (1 of 4 stars; one submission).

gnomAD v4.1: 1 of 1,613,506 alleles (0.000062%); highest among the groups gnomAD compares: Non-Finnish European, 0.000085%; no homozygotes.

Submission:

GeneDx
Classification: Uncertain significance. Last evaluated: 2026-04-01. Review status: criteria provided, single submitter. Criteria: GeneDx Variant Classification Process June 2021. Collection method: clinical testing. Allele origin: germline.
Comment: Not observed at significant frequency in large population cohorts (gnomAD); In silico analysis suggests that this missense variant does not alter protein structure/function; Has not been previously published as pathogenic or benign to our knowledge

NM_030632.3(ASXL3):c.1537C>A (p.Pro513Thr)

Gene: ASXL3 (ASXL transcriptional regulator 3; plus strand). Cytogenetic location: 18q12.1.
Variant type: single nucleotide variant.
Coding change: c.1537C>A on transcript NM_030632.3 (MANE Select); coding-DNA position 1537, C replaced by A.
Protein change: p.Pro513Thr; replaces proline 513 with threonine.
Molecular consequence: missense variant.
Genome position (GRCh38, 1-based): chr18:33,738,941, C>A. VCF-style: chr18-33738941-C-A. GRCh37 (hg19) VCF-style: chr18-31318905-C-A.
Other names: short protein forms P513T.
Identifiers: ClinVar variation 5017798 (VCV005017798.1).